The following is an entry in ClinVar:

ClinVar aggregate classification (germline): Pathogenic. Review status: criteria provided, multiple submitters, no conflicts (2 of 4 stars). 3 submissions from 3 submitters: Pathogenic (3). Last evaluated 2026-08-12.

Conditions:
Cardiovascular phenotype. Identifiers: MedGen CN230736.
LPL-related disorder. Also called: LPL-related condition.

Submissions (3):

Ambry Genetics
Classification: Pathogenic for Cardiovascular phenotype. Last evaluated: 2026-08-12. Review status: criteria provided, single submitter. Criteria: Ambry Variant Classification Scheme 2023. Collection method: clinical testing. Allele origin: germline.
Comment: The c.566_567delTT pathogenic mutation, located in coding exon 5 of the LPL gene, results from a deletion of two nucleotides at nucleotide positions 566 to 567, causing a translational frameshift with a predicted alternate stop codon (p.F189*). This variant is considered to be rare based on population cohorts in the Genome Aggregation Database (gnomAD). In addition, this alteration is expected to result in loss of function by premature protein truncation or nonsense-mediated mRNA decay. As such, this alteration is interpreted as a disease-causing mutation.

PreventionGenetics, part of Exact Sciences
Classification: Pathogenic for LPL-related condition. Last evaluated: 2026-07-01. Review status: criteria provided, single submitter. Criteria: ACMG Guidelines, 2015. Collection method: clinical testing. Allele origin: germline.
Comment: The LPL c.566_567delTT variant is predicted to result in premature protein termination (p.Phe189*). This variant has been reported in the compound heterozygous state in an individual with infantile chylomicronemia (Felsenstein et al. 2015. doi:10.5348/ijcri-2015115-CR-10576). This variant has also been reported in the heterozygous state in an individual with multifactorial chylomicronemia syndrome (Table S2, Bashir et al. 2025. PubMed ID: 40919303). This variant has not been reported in a large population database (gnomAD), indicating this variant is rare. Nonsense variants in LPL are expected to be pathogenic. This variant is interpreted as pathogenic.

Labcorp Genetics (formerly Invitae), Labcorp
Classification: Pathogenic. Last evaluated: 2020-11-01. Review status: criteria provided, single submitter. Criteria: Invitae Variant Classification Sherloc (09022015). Collection method: clinical testing. Allele origin: germline.
Comment: For these reasons, this variant has been classified as Pathogenic. This variant has not been reported in the literature in individuals with LPL-related conditions. This variant is not present in population databases (ExAC no frequency). This sequence change creates a premature translational stop signal (p.Phe189*) in the LPL gene. It is expected to result in an absent or disrupted protein product. Loss-of-function variants in LPL are known to be pathogenic (PMID: 11334614).

Literature cited by the submitters: PubMed 11334614 (cited by Labcorp Genetics (formerly Invitae), Labcorp).

NM_000237.3(LPL):c.566_567del (p.Asn188_Phe189insTer)

Gene: LPL (lipoprotein lipase; plus strand). Cytogenetic location: 8p21.3.
Variant type: Deletion.
Coding change: c.566_567del on transcript NM_000237.3 (MANE Select); coding-DNA positions 566 to 567, 2 bases deleted (TT; older notation c.566_567delTT).
Protein change: p.Asn188_Phe189insTer.
Molecular consequence: nonsense.
Genome position (GRCh38, 1-based): chr8:19,954,144-19,954,145, TT deleted; deleting any 2 consecutive bases within chr8:19,954,143-19,954,145 gives the same sequence; the c. name uses the placement nearest the transcript's 3' end. VCF-style (leftmost placement, unchanged base first): chr8-19954142-CTT-C. GRCh37 (hg19) VCF-style: chr8-19811653-CTT-C.
Identifiers: ClinVar variation 1401888 (VCV001401888.10), dbSNP rs1416098529, ClinGen allele CA1111551648.